The following is an entry in ClinVar:

ClinVar aggregate classification (germline): Pathogenic. Review status: criteria provided, multiple submitters, no conflicts (2 of 4 stars). 2 submissions from 2 submitters: Pathogenic (2). Last evaluated 2026-09-08.

Conditions:
Fabry disease. Also called: ALPHA-GALACTOSIDASE A DEFICIENCY; ANDERSON-FABRY DISEASE; CERAMIDE TRIHEXOSIDASE DEFICIENCY; GLA DEFICIENCY; HEREDITARY DYSTOPIC LIPIDOSIS; Angiokeratoma corporis diffusum. Identifiers: Orphanet 324, MedGen C0002986, MONDO:0010526, OMIM 301500, HP:0001071. Disease mechanism: Fabry disease is due to inactivating mutations in the X-linked GLA gene resulting in deficiency of the enzyme Alpha Galactosidase-A., loss of function.

Submissions (2):

Genomenon, Inc
Classification: Pathogenic for Fabry disease. Last evaluated: 2026-09-08. Review status: criteria provided, single submitter. Criteria: Genomenon Sequence Variant Interpretation Standards - Updated. Collection method: curation. Allele origin: germline. Affected: yes.
Comment: GLA p.Lys185Ter (c.553A>T) is a nonsense variant that introduces a premature stop codon at amino acid position 185 and is predicted to result in a truncated or absent protein product. This variant has been observed in at least one proband with clinical features consistent with Fabry disease (PMID:36624527). It is absent or not present at a significant frequency in gnomAD. In conclusion, we classify GLA p.Lys185Ter (c.553A>T) as a pathogenic variant.

Serv. Biochemistry and Molecular genetics, Hospital Clinic de Barcelona, Hospital Clínic de Barcelona
Classification: Pathogenic for Fabry disease. Last evaluated: 2026-05-21. Review status: criteria provided, single submitter. Criteria: ACMG Guidelines, 2015. Collection method: clinical testing. Allele origin: germline. Inheritance: X-linked inheritance. Affected: no. Observed: 2 variant alleles.
Comment: Classification reported in the manuscript using ACMG criteria/in silico tools: Pathogenic. Variant type: Nonsense; amino acid change: p.Lys185Ter. Criteria: PVS1, PM2, PP5

Literature cited by the submitters: PubMed 36624527 (cited by Genomenon, Inc).

NM_000169.3(GLA):c.553A>T (p.Lys185Ter)

Genes: GLA (galactosidase alpha; minus strand), RPL36A-HNRNPH2 (RPL36A-HNRNPH2 readthrough; plus strand). Cytogenetic location: Xq22.1.
Variant type: single nucleotide variant.
Coding change: c.553A>T on transcript NM_000169.3 (MANE Select); coding-DNA position 553, A replaced by T.
Protein change: p.Lys185Ter; replaces lysine 185 with a stop codon.
Molecular consequence: nonsense. On other transcripts: non-coding transcript variant (2), intron variant (2).
Genome position (GRCh38, 1-based): chrX:101,400,752, T>A on the plus strand (A>T on the coding strand, the complement: GLA is on the minus strand). VCF-style: chrX-101400752-T-A. GRCh37 (hg19) VCF-style: chrX-100655740-T-A.
Other names: c.676A>T, p.Lys226Ter (NM_001406747.1); c.553A>T, p.Lys185Ter (NM_001406748.1); c.300+5295T>A (NM_001199973.2); c.177+8930T>A (NM_001199974.2); short protein forms K185*, K226*.
Identifiers: ClinVar variation 4087165 (VCV004087165.3).